The following is an entry in ClinVar:

ClinVar aggregate classification (germline): Uncertain significance. Review status: criteria provided, multiple submitters, no conflicts (2 of 4 stars). 2 submissions from 2 submitters: Uncertain significance (2). Last evaluated 2021-12-06.

Conditions:
Acrocallosal syndrome (ACLS). Also called: HALLUX DUPLICATION, POSTAXIAL POLYDACTYLY, AND ABSENCE OF CORPUS CALLOSUM; Schinzel syndrome 1; Absence of corpus callosum with unusual facial appearance, mental deficiency, duplication of the halluces and polydactyly. Identifiers: Orphanet 36, MedGen C0796147, MONDO:0008708, OMIM 200990.

Allele frequency attached by ClinVar (database versions not stated): TOPMed 0.00004.
gnomAD v4.1: 105 of 1,551,584 alleles (0.0068%); highest among the groups gnomAD compares: Non-Finnish European, 0.0091%; no homozygotes.

Submissions (2):

Labcorp Genetics (formerly Invitae), Labcorp
Classification: Uncertain significance for Acrocallosal syndrome. Last evaluated: 2021-12-06. Review status: criteria provided, single submitter. Criteria: Invitae Variant Classification Sherloc (09022015). Collection method: clinical testing. Allele origin: germline.
Comment: This sequence change replaces valine, which is neutral and non-polar, with leucine, which is neutral and non-polar, at codon 59 of the KIF7 protein (p.Val59Leu). This variant is present in population databases (no rsID available, gnomAD 0.007%). This variant has not been reported in the literature in individuals affected with KIF7-related conditions. ClinVar contains an entry for this variant (Variation ID: 886345). Algorithms developed to predict the effect of missense changes on protein structure and function (SIFT, PolyPhen-2, Align-GVGD) all suggest that this variant is likely to be tolerated. In summary, the available evidence is currently insufficient to determine the role of this variant in disease. Therefore, it has been classified as a Variant of Uncertain Significance.

Illumina Laboratory Services, Illumina
Classification: Uncertain significance for Acrocallosal syndrome. Last evaluated: 2018-01-13. Review status: criteria provided, single submitter. Criteria: ICSL Variant Classification Criteria 13 December 2019. Collection method: clinical testing. Allele origin: germline.

NM_198525.3(KIF7):c.175G>C (p.Val59Leu)

Gene: KIF7 (kinesin family member 7; minus strand). Cytogenetic location: 15q26.1.
Variant type: single nucleotide variant.
Coding change: c.175G>C on transcript NM_198525.3 (MANE Select); coding-DNA position 175, G replaced by C.
Protein change: p.Val59Leu; replaces valine 59 with leucine.
Molecular consequence: missense variant.
Genome position (GRCh38, 1-based): chr15:89,652,756, C>G on the plus strand (G>C on the coding strand, the complement: KIF7 is on the minus strand). VCF-style: chr15-89652756-C-G. GRCh37 (hg19) VCF-style: chr15-90195987-C-G.
Other names: short protein forms V59L.
Identifiers: ClinVar variation 886345 (VCV000886345.6), dbSNP rs369404071, ClinGen allele CA274584442.